The following is an entry in ClinVar:

ClinVar aggregate classification (germline): Uncertain significance (1 of 4 stars; one submission).

Submission:

GeneDx
Classification: Uncertain significance. Last evaluated: 2024-09-28. Review status: criteria provided, single submitter. Criteria: GeneDx Variant Classification Process June 2021. Collection method: clinical testing. Allele origin: germline. Affected: yes.
Comment: Not observed at significant frequency in large population cohorts (gnomAD); In silico analysis supports that this missense variant has a deleterious effect on protein structure/function; Has not been previously published as pathogenic or benign to our knowledge

NM_007327.4(GRIN1):c.1125T>A (p.Asn375Lys)

Gene: GRIN1 (glutamate ionotropic receptor NMDA type subunit 1; plus strand). Cytogenetic location: 9q34.3.
Variant type: single nucleotide variant.
Coding change: c.1125T>A on transcript NM_007327.4 (MANE Select); coding-DNA position 1125, T replaced by A.
Protein change: p.Asn375Lys; replaces asparagine 375 with lysine.
Molecular consequence: missense variant.
Genome position (GRCh38, 1-based): chr9:137,158,632, T>A. VCF-style: chr9-137158632-T-A. GRCh37 (hg19) VCF-style: chr9-140053084-T-A.
Other names: c.1125T>A, p.Asn375Lys (NM_000832.7, NM_021569.4); c.1188T>A, p.Asn396Lys (NM_001185090.2, NM_001185091.2); short protein forms N375K, N396K.
Identifiers: ClinVar variation 3774811 (VCV003774811.1).